The following is an entry in ClinVar:

NM_005327.7(HADH):c.-5AC[1]

Gene: HADH (hydroxyacyl-CoA dehydrogenase; plus strand). Cytogenetic location: 4q25.
Variant type: Microsatellite.
Coding change: c.-5AC[1] on transcript NM_005327.7 (MANE Select); one copy of the 2-base unit AC starting at c.-5; the reference has two copies in a row; one copy, 2 bases deleted.
Molecular consequence: 5 prime UTR variant.
Genome position (GRCh38, 1-based): chr4:107,989,930-107,989,931, AC deleted; deleting any 2 consecutive bases within chr4:107,989,927-107,989,931 gives the same sequence; the position shown is the placement nearest the transcript's 3' end. VCF-style (leftmost placement, unchanged base first): chr4-107989926-CCA-C. GRCh37 (hg19) VCF-style: chr4-108911082-CCA-C.
Other names: c.-5AC[1] (NM_001184705.4).
Identifiers: ClinVar variation 3036274 (VCV003036274.2), dbSNP rs749063053, ClinGen allele CA3037307.

ClinVar aggregate classification (germline): Likely benign (0 of 4 stars; one submission).

Conditions:
HADH-related disorder. Also called: HADH-related condition.

Submission:

PreventionGenetics, part of Exact Sciences
Classification: Likely benign for HADH-related condition. Last evaluated: 2021-10-25. Review status: no assertion criteria provided. Collection method: clinical testing. Allele origin: germline.
Comment: This variant is classified as likely benign based on ACMG/AMP sequence variant interpretation guidelines (Richards et al. 2015 PMID: 25741868, with internal and published modifications).